The following is an entry in ClinVar:

ClinVar aggregate classification (germline): Benign/Likely benign. Review status: criteria provided, multiple submitters, no conflicts (2 of 4 stars). 2 submissions from 2 submitters: Benign (1); Likely benign (1). Last evaluated 2025-10-02.

Conditions:
Ullrich congenital muscular dystrophy 2 (UCMD2). Identifiers: Orphanet 75840, MedGen C4225314, MONDO:0014654, OMIM 616470.
Bethlem myopathy 2 (BTHLM2). Identifiers: Orphanet 536516, Orphanet 610, MedGen C4225313, MONDO:0034022, OMIM 616471.

Allele frequency attached by ClinVar (database versions not stated): gnomAD 0.00001; gnomAD exomes 0.00002; ExAC 0.00004.
gnomAD v4.1: 25 of 1,613,848 alleles (0.0015%); highest among the groups gnomAD compares: South Asian, 0.023%; no homozygotes.

Submissions (2):

Labcorp Genetics (formerly Invitae), Labcorp
Classification: Benign for Bethlem myopathy 2; Ullrich congenital muscular dystrophy 2. Last evaluated: 2025-10-02. Review status: criteria provided, single submitter. Criteria: Invitae Variant Classification Sherloc (09022015). Collection method: clinical testing. Allele origin: germline.

CeGaT Center for Human Genetics Tuebingen
Classification: Likely benign. Last evaluated: 2025-09-01. Review status: criteria provided, single submitter. Criteria: CeGaT Center For Human Genetics Tuebingen Variant Classification Criteria Version 2. Collection method: clinical testing. Allele origin: germline. Affected: yes. Observed: 2 variant alleles.
Comment: COL12A1: BP4, BP7

NM_004370.6(COL12A1):c.8133T>C (p.Ser2711=)

Gene: COL12A1 (collagen type XII alpha 1 chain; minus strand). Cytogenetic location: 6q13.
Variant type: single nucleotide variant.
Coding change: c.8133T>C on transcript NM_004370.6 (MANE Select); coding-DNA position 8133, T replaced by C.
Protein change: p.Ser2711=; no amino-acid change (serine 2711 retained).
Molecular consequence: synonymous variant.
Genome position (GRCh38, 1-based): chr6:75,106,464, A>G on the plus strand (T>C on the coding strand, the complement: COL12A1 is on the minus strand). VCF-style: chr6-75106464-A-G. GRCh37 (hg19) VCF-style: chr6-75816180-A-G.
Other names: c.4641T>C, p.Ser1547= (NM_080645.3).
Identifiers: ClinVar variation 2085355 (VCV002085355.11), dbSNP rs374488376, ClinGen allele CA3892371.